The following is an entry in ClinVar:

NM_001267550.2(TTN):c.79107T>G (p.Val26369=)

Genes: TTN (titin; minus strand), TTN-AS1 (TTN antisense RNA 1; plus strand). Cytogenetic location: 2q31.2.
Variant type: single nucleotide variant.
Coding change: c.79107T>G on transcript NM_001267550.2 (MANE Select); coding-DNA position 79107, T replaced by G.
Protein change: p.Val26369=; no amino-acid change (valine 26369 retained).
Molecular consequence: synonymous variant.
Genome position (GRCh38, 1-based): chr2:178,567,025, A>C on the plus strand (T>G on the coding strand, the complement: TTN is on the minus strand). VCF-style: chr2-178567025-A-C. GRCh37 (hg19) VCF-style: chr2-179431752-A-C.
Other names: c.74184T>G, p.Val24728= (NM_001256850.1); c.51912T>G, p.Val17304= (NM_003319.4); c.71403T>G, p.Val23801= (NM_133378.4); c.52287T>G, p.Val17429= (NM_133432.3); c.52488T>G, p.Val17496= (NM_133437.4).
Identifiers: ClinVar variation 535593 (VCV000535593.26), dbSNP rs757441770, ClinGen allele CA60990891.

ClinVar aggregate classification (germline): Likely benign. Review status: criteria provided, multiple submitters, no conflicts (2 of 4 stars). 5 submissions from 5 submitters: Likely benign (5). Last evaluated 2026-01-19.

Conditions:
Cardiovascular phenotype. Identifiers: MedGen CN230736.
Dilated cardiomyopathy 1G (CMD1G). Identifiers: Orphanet 154, MedGen C1858763, MONDO:0011400, OMIM 604145.
Autosomal recessive limb-girdle muscular dystrophy type 2J (LGMDR10). Also called: Limb-girdle muscular dystrophy, type 2J; MUSCULAR DYSTROPHY, LIMB-GIRDLE, AUTOSOMAL RECESSIVE 10. Identifiers: Orphanet 140922, MedGen C1837342, MONDO:0012127, OMIM 608807.

Allele frequency attached by ClinVar (database versions not stated): gnomAD 0.00003; TOPMed 0.00003.
gnomAD v4.1: 114 of 1,613,512 alleles (0.0071%); highest among the groups gnomAD compares: Non-Finnish European, 0.0093%; no homozygotes.

Submissions (5):

Labcorp Genetics (formerly Invitae), Labcorp
Classification: Likely benign for Dilated cardiomyopathy 1G; Autosomal recessive limb-girdle muscular dystrophy type 2J. Last evaluated: 2026-01-19. Review status: criteria provided, single submitter. Criteria: Invitae Variant Classification Sherloc (09022015). Collection method: clinical testing. Allele origin: germline.

CeGaT Center for Human Genetics Tuebingen
Classification: Likely benign. Last evaluated: 2025-05-01. Review status: criteria provided, single submitter. Criteria: CeGaT Center For Human Genetics Tuebingen Variant Classification Criteria Version 2. Collection method: clinical testing. Allele origin: germline. Affected: yes. Observed: 1 variant allele.
Comment: TTN: BP4, BP7

Molecular Diagnostic Laboratory for Inherited Cardiovascular Disease, Montreal Heart Institute
Classification: Likely benign. Last evaluated: 2025-04-09. Review status: criteria provided, single submitter. Criteria: ACMG Guidelines, 2015. Collection method: clinical testing. Allele origin: germline. Affected: no.

Ambry Genetics
Classification: Likely benign for Cardiovascular phenotype. Last evaluated: 2022-08-17. Review status: criteria provided, single submitter. Criteria: Ambry Variant Classification Scheme 2023. Collection method: clinical testing. Allele origin: germline.

GeneDx
Classification: Likely benign. Last evaluated: 2021-08-19. Review status: criteria provided, single submitter. Criteria: GeneDx Variant Classification Process June 2021. Collection method: clinical testing. Allele origin: germline. Affected: yes.
Comment: This variant is associated with the following publications: (PMID: 26582918)